The following is an entry in ClinVar:

NM_001377265.1(MAPT):c.220+2524C>T

Gene: MAPT (microtubule associated protein tau). Cytogenetic location: 17q21.31.
Variant type: single nucleotide variant.
Coding change: c.220+2524C>T on transcript NM_001377265.1 (MANE Select); 2524 bases into the intron after coding-DNA position 220, C replaced by T.
Molecular consequence: intron variant. On other transcripts: missense variant (4).
Genome position (GRCh38, 1-based): chr17:45,974,469, C>T. VCF-style: chr17-45974469-C-T. GRCh37 (hg19) VCF-style: chr17-44051835-C-T.
Other names: c.305C>T, p.Thr102Ile (NM_001123066.4, NM_001203252.2, NM_005910.6 and 1 more transcripts); c.134-3906C>T (NM_001377268.1, NM_016834.5, NM_016841.5); c.220+2524C>T (NM_001377266.1, NM_001123067.4, NM_001203251.2 and 1 more transcripts); short protein forms T102I.
Identifiers: ClinVar variation 3371930 (VCV003371930.2).

ClinVar aggregate classification (germline): Uncertain significance (1 of 4 stars; one submission).

gnomAD v4.1: 3 of 1,602,130 alleles (0.00019%); highest among the groups gnomAD compares: East Asian, 0.0022%; no homozygotes.

Submission:

GeneDx
Classification: Uncertain significance. Last evaluated: 2025-08-25. Review status: criteria provided, single submitter. Criteria: GeneDx Variant Classification Process June 2021. Collection method: clinical testing. Allele origin: germline. Affected: yes.
Comment: Not observed at significant frequency in large population cohorts (gnomAD); In silico analysis supports that this missense variant has a deleterious effect on protein structure/function; Has not been previously published as pathogenic or benign to our knowledge; In silico analysis is inconclusive as to whether the variant alters gene splicing. In the absence of RNA/functional studies, the actual effect of this sequence change is unknown.